The following is an entry in ClinVar:

NM_014845.6(FIG4):c.1348C>T (p.Arg450Cys)

Gene: FIG4 (FIG4 phosphoinositide 5-phosphatase; plus strand). Cytogenetic location: 6q21.
Variant type: single nucleotide variant.
Coding change: c.1348C>T on transcript NM_014845.6 (MANE Select); coding-DNA position 1348, C replaced by T.
Protein change: p.Arg450Cys; replaces arginine 450 with cysteine.
Molecular consequence: missense variant.
Genome position (GRCh38, 1-based): chr6:109,762,167, C>T. VCF-style: chr6-109762167-C-T. GRCh37 (hg19) VCF-style: chr6-110083370-C-T.
Other names: short protein forms R450C.
Identifiers: ClinVar variation 543334 (VCV000543334.20), dbSNP rs201072058, ClinGen allele CA3956042.

ClinVar aggregate classification (germline): Uncertain significance. Review status: criteria provided, multiple submitters, no conflicts (2 of 4 stars). 5 submissions from 5 submitters: Uncertain significance (5). Last evaluated 2026-03-12.

Conditions:
Charcot-Marie-Tooth disease type 4. Also called: Charcot-Marie-Tooth disease, type IV; Charcot-Marie-Tooth, Type 4. Identifiers: Orphanet 64749, MedGen C4082197, MONDO:0018995.

Allele frequency attached by ClinVar (database versions not stated): ExAC 0.00009; gnomAD 0.00012 and 0.00014; TOPMed 0.00014; ESP Exome Variant Server 0.00031.
gnomAD v4.1: 71 of 1,612,438 alleles (0.0044%); highest among the groups gnomAD compares: Middle Eastern, 0.066%; no homozygotes.

Submissions (5):

GeneDx
Classification: Uncertain significance. Last evaluated: 2026-03-12. Review status: criteria provided, single submitter. Criteria: GeneDx Variant Classification Process June 2021. Collection method: clinical testing. Allele origin: germline.
Comment: In silico analysis suggests that this missense variant does not alter protein structure/function; Has not been previously published as pathogenic or benign to our knowledge; This variant is associated with the following publications: (PMID: 24598713, 26740555, 28719003)

Women's Health and Genetics/Laboratory Corporation of America, LabCorp
Classification: Uncertain significance. Last evaluated: 2025-12-01. Review status: criteria provided, single submitter. Criteria: LabCorp Variant Classification Summary - May 2015. Collection method: clinical testing. Allele origin: germline.
Comment: Variant summary: FIG4 c.1348C>T (p.Arg450Cys) results in a non-conservative amino acid change in the encoded protein sequence. Algorithms developed to predict the effect of missense changes on protein structure and function are either unavailable or do not agree on the potential impact of this missense change. The variant allele was found at a frequency of 4.8e-05 in 251338 control chromosomes (gnomAD). This frequency is not significantly higher than estimated for disease-causing variants in FIG4, allowing no conclusion about variant significance. To our knowledge, no occurrence of c.1348C>T in individuals affected with FIG4-related conditions and no experimental evidence demonstrating its impact on protein function have been reported. ClinVar contains an entry for this variant (Variation ID: 543334). Based on the evidence outlined above, the variant was classified as uncertain significance.

ARUP Laboratories, Molecular Genetics and Genomics, ARUP Laboratories
Classification: Uncertain significance. Last evaluated: 2025-07-09. Review status: criteria provided, single submitter. Criteria: ARUP Molecular Germline Variant Investigation Process 2024. Collection method: clinical testing. Allele origin: germline.
Comment: The FIG4 c.1348C>T; p.Arg450Cys variant (rs201072058, ClinVar Variation ID 543334) is reported in the literature in the heterozygous state in a single individual with Charcot-Marie-Tooth disease, but with no evidence of causality (Nicholson 2011). This variant is found in the general population with an overall allele frequency of 0.005% (15/282726 alleles) in the Genome Aggregation Database (v2.1.1). Computational analyses are uncertain whether this variant is neutral or deleterious (REVEL: 0.197). Due to limited information, the clinical significance of this variant is uncertain at this time. References: Nicholson G et al. Distinctive genetic and clinical features of CMT4J: a severe neuropathy caused by mutations in the PI(3,5)P2 phosphatase FIG4. Brain. 2011 Jul. PMID: 21705420

Labcorp Genetics (formerly Invitae), Labcorp
Classification: Uncertain significance for Charcot-Marie-Tooth disease type 4. Last evaluated: 2023-12-19. Review status: criteria provided, single submitter. Criteria: Invitae Variant Classification Sherloc (09022015). Collection method: clinical testing. Allele origin: germline.
Comment: This sequence change replaces arginine, which is basic and polar, with cysteine, which is neutral and slightly polar, at codon 450 of the FIG4 protein (p.Arg450Cys). This variant is present in population databases (rs201072058, gnomAD 0.03%). This variant has not been reported in the literature in individuals affected with FIG4-related conditions. ClinVar contains an entry for this variant (Variation ID: 543334). An algorithm developed to predict the effect of missense changes on protein structure and function (PolyPhen-2) suggests that this variant¬†is likely to be tolerated. In summary, the available evidence is currently insufficient to determine the role of this variant in disease. Therefore, it has been classified as a Variant of Uncertain Significance.

Athena Diagnostics
Classification: Uncertain significance. Last evaluated: 2023-04-04. Review status: criteria provided, single submitter. Criteria: Athena Diagnostics Criteria. Collection method: clinical testing. Allele origin: unknown.
Comment: Available data are insufficient to determine the clinical significance of the variant at this time. The frequency of this variant in the general population is uninformative in assessment of its pathogenicity. Computational tools predict that this variant is not damaging.

Literature cited by the submitters: PubMed 21705420 (cited by Athena Diagnostics).